The following is an entry in ClinVar:

NM_001290223.2(DOCK1):c.2053dup (p.Glu685fs)

Gene: DOCK1 (dedicator of cytokinesis 1; plus strand). Cytogenetic location: 10q26.2.
Variant type: Duplication.
Coding change: c.2053dup on transcript NM_001290223.2 (MANE Select); coding-DNA position 2053, one base duplicated (G; older notation c.2053dupG).
Protein change: p.Glu685fs; shifts the reading frame from glutamic acid 685.
Molecular consequence: frameshift variant.
Genome position (GRCh38, 1-based): chr10:127,042,667, G duplicated; the last of 2 consecutive G bases (chr10:127,042,666-127,042,667); duplicating either gives the same sequence. VCF-style (leftmost placement, unchanged base first): chr10-127042665-T-TG. GRCh37 (hg19) VCF-style: chr10-128840929-T-TG.
Other names: c.1990dup, p.Glu664fs (NM_001377543.1, NM_001377553.1, NM_001377556.1 and 1 more transcripts); c.2026dup, p.Glu676fs (NM_001377544.1); c.2053dup, p.Glu685fs (NM_001377546.1, NM_001377561.1); c.1927dup, p.Glu643fs (NM_001377547.1); c.1906dup, p.Glu636fs (NM_001377548.1); c.1891dup, p.Glu631fs (NM_001377550.1); c.1837dup, p.Glu613fs (NM_001377554.1, NM_001377558.1); c.1198dup, p.Glu400fs (NM_001377560.1); short protein forms E664fs, E685fs, E400fs, E613fs, E631fs, E636fs, E643fs, E676fs.
Identifiers: ClinVar variation 521686 (VCV000521686.3), dbSNP rs767858333, ClinGen allele CA5742512.
Genomic context (GRCh38, chr10:127,042,665, plus strand): 5'-GACCTTCTGTGTCTATGCAGTTTCTTCAGGACACGTTGGATGCCCTCTTCAACATCATGA[T>TG]GGAGAACTCAGAGAGTGAGACTTTTGACACGTTAGTCTTTGATGCTCTGGTAAGAGAGCT-3'

ClinVar aggregate classification (germline): Likely pathogenic (1 of 4 stars; one submission).

Conditions:
Inborn genetic diseases. Identifiers: MedGen C0950123, MeSH D030342.

Submission:

Ambry Genetics
Classification: Likely pathogenic for Hereditary disease. Last evaluated: 2017-05-17. Review status: criteria provided, single submitter. Criteria: ambry_reporting_categories_2017. Collection method: clinical testing. Allele origin: germline. Affected: yes. Observed: 1 heterozygote. Segregation with disease observed.
Comment: Lines of evidence used in support of classification: SUSPECTED CANDIDATE: Alteration(s) of Potential Clinical Relevance Detected

Literature cited by the submitters: PubMed 17765544; PubMed 3372592; PubMed 25022758; PubMed 26527617; PubMed 18591431; PubMed 18820033; PubMed 17670792; PubMed 18332221; PubMed 20829512; PubMed 27662902.